The following is an entry in ClinVar:

ClinVar aggregate classification (germline): Uncertain significance (1 of 4 stars; one submission).

Conditions:
Inborn genetic diseases. Identifiers: MedGen C0950123, MeSH D030342.

gnomAD v4.1: 2 of 1,614,194 alleles (0.00012%); highest among the groups gnomAD compares: South Asian, 0.0022%; no homozygotes.

Submission:

Ambry Genetics
Classification: Uncertain significance for Inborn genetic diseases. Last evaluated: 2025-08-20. Review status: criteria provided, single submitter. Criteria: Ambry Variant Classification Scheme 2023. Collection method: clinical testing. Allele origin: germline.
Comment: The p.A215V variant (also known as c.644C>T), located in coding exon 5 of the ETV6 gene, results from a C to T substitution at nucleotide position 644. The alanine at codon 215 is replaced by valine, an amino acid with similar properties. This amino acid position is conserved. In addition, this alteration is predicted to be tolerated by in silico analysis. Based on the available evidence, the clinical significance of this variant remains unclear.

NM_001987.5(ETV6):c.644C>T (p.Ala215Val)

Gene: ETV6 (ETS variant transcription factor 6; plus strand). Cytogenetic location: 12p13.2.
Variant type: single nucleotide variant.
Coding change: c.644C>T on transcript NM_001987.5 (MANE Select); coding-DNA position 644, C replaced by T.
Protein change: p.Ala215Val; replaces alanine 215 with valine.
Molecular consequence: missense variant.
Genome position (GRCh38, 1-based): chr12:11,869,604, C>T. VCF-style: chr12-11869604-C-T. GRCh37 (hg19) VCF-style: chr12-12022538-C-T.
Other names: c.641C>T, p.Ala214Val (NM_001413913.1); c.617C>T, p.Ala206Val (NM_001413914.1); c.380C>T, p.Ala127Val (NM_001413915.1); c.644C>T, p.Ala215Val (NM_001413916.1, NM_001413917.1); short protein forms A127V, A206V, A214V, A215V.
Identifiers: ClinVar variation 4251481 (VCV004251481.1).
Genomic context (GRCh38, chr12:11,869,604, plus strand): 5'-ACCCCGAGCAGCGGCCCCTCCGGTCCCCCCTGGACAACATGATCCGCCGCCTCTCCCCGG[C>T]TGAGAGAGCTCAGGGACCCAGGCCGCACCAGGAGAACAACCACCAGGAGTCCTACCCTCT-3'
Protein context (NP_001978.1, residues 205-225): LDNMIRRLSP[Ala215Val]ERAQGPRPHQ